The following is an entry in ClinVar:

NM_006245.4(PPP2R5D):c.1367G>T (p.Ser456Ile)

Gene: PPP2R5D (protein phosphatase 2 regulatory subunit B'delta; plus strand). Cytogenetic location: 6p21.1.
Variant type: single nucleotide variant.
Coding change: c.1367G>T on transcript NM_006245.4 (MANE Select); coding-DNA position 1367, G replaced by T.
Protein change: p.Ser456Ile; replaces serine 456 with isoleucine.
Molecular consequence: missense variant.
Genome position (GRCh38, 1-based): chr6:43,009,437, G>T. VCF-style: chr6-43009437-G-T. GRCh37 (hg19) VCF-style: chr6-42977175-G-T.
Other names: c.914G>T, p.Ser305Ile (NM_001270476.2); c.1271G>T, p.Ser424Ile (NM_180976.3); c.1049G>T, p.Ser350Ile (NM_180977.3); short protein forms S305I, S350I, S424I, S456I.
Identifiers: ClinVar variation 1329689 (VCV001329689.2), dbSNP rs2150281529, ClinGen allele CA364194757.

ClinVar aggregate classification (germline): Uncertain significance (1 of 4 stars; one submission).

gnomAD v4.1: 1 of 1,614,126 alleles (0.000062%); highest among the groups gnomAD compares: East Asian, 0.0022%; no homozygotes.

Submission:

GeneDx
Classification: Uncertain significance. Last evaluated: 2021-06-26. Review status: criteria provided, single submitter. Criteria: GeneDx Variant Classification Process June 2021. Collection method: clinical testing. Allele origin: germline. Affected: yes.
Comment: Not observed at significant frequency in large population cohorts (Lek et al., 2016); In silico analysis supports that this missense variant has a deleterious effect on protein structure/function; Has not been previously published as pathogenic or benign to our knowledge; This variant is associated with the following publications: (PMID: 27535533)